The following is an entry in ClinVar:

NM_001029883.3(PCARE):c.327C>T (p.His109=)

Gene: PCARE (photoreceptor cilium actin regulator; minus strand). Cytogenetic location: 2p23.2.
Variant type: single nucleotide variant.
Coding change: c.327C>T on transcript NM_001029883.3 (MANE Select); coding-DNA position 327, C replaced by T.
Protein change: p.His109=; no amino-acid change (histidine 109 retained).
Molecular consequence: synonymous variant.
Genome position (GRCh38, 1-based): chr2:29,073,935, G>A on the plus strand (C>T on the coding strand, the complement: PCARE is on the minus strand). VCF-style: chr2-29073935-G-A. GRCh37 (hg19) VCF-style: chr2-29296801-G-A.
Identifiers: ClinVar variation 5041571 (VCV005041571.1).
Genomic context (GRCh38, chr2:29,073,935, plus strand): 5'-AAAGTCTGCCCCTTGTGATCCATGGGAACCCTGTGTCTTGAACGGAATATCCTTAGCCAT[G>A]TGGCTTTGTGATTTGTTCAGCTGGGATGAAGAGGTTTTGGTTCCTGGGATCAGTCCTTCC-3'
Protein context (NP_001025054.1, residues 99-119): SSSQLNKSQS[His109=]MAKDIPFKTQ

ClinVar aggregate classification (germline): Likely benign (1 of 4 stars; one submission).

gnomAD v4.1: 1 of 1,614,254 alleles (0.000062%); highest among the groups gnomAD compares: South Asian, 0.0011%; no homozygotes.

Submission:

CeGaT Center for Human Genetics Tuebingen
Classification: Likely benign. Last evaluated: 2026-09-01. Review status: criteria provided, single submitter. Criteria: CeGaT Center For Human Genetics Tuebingen Variant Classification Criteria Version 2. Collection method: clinical testing. Allele origin: germline. Affected: yes. Observed: 1 variant allele.
Comment: PCARE: BP4, BP7